The following is an entry in ClinVar:

NM_182914.3(SYNE2):c.14866T>C (p.Leu4956=)

Gene: SYNE2 (spectrin repeat containing nuclear envelope protein 2; plus strand). Cytogenetic location: 14q23.2.
Variant type: single nucleotide variant.
Coding change: c.14866T>C on transcript NM_182914.3 (MANE Select); coding-DNA position 14866, T replaced by C.
Protein change: p.Leu4956=; no amino-acid change (leucine 4956 retained).
Molecular consequence: synonymous variant.
Genome position (GRCh38, 1-based): chr14:64,139,963, T>C. VCF-style: chr14-64139963-T-C. GRCh37 (hg19) VCF-style: chr14-64606681-T-C.
Other names: c.14866T>C, p.Leu4956= (NM_015180.6).
Identifiers: ClinVar variation 3042549 (VCV003042549.2), dbSNP rs2098127170, ClinGen allele CA486700433.
Genomic context (GRCh38, chr14:64,139,963, plus strand): 5'-TTTCTAATCTGCCTTCTCTCTCACTTTGCTCCTGTTAGTTATAACAGAGATTCGGATCAG[T>C]TAACCAAGTGGTTGGAATCTTCCCAGCATACTCTGAATTACTGGAAAGAACAGTCCCTCA-3'
Protein context (NP_878918.2, residues 4946-4966): LLSYNRDSDQ[Leu4956=]TKWLESSQHT

ClinVar aggregate classification (germline): Likely benign (0 of 4 stars; one submission).

Conditions:
SYNE2-related disorder. Also called: SYNE2-related condition.

Allele frequency attached by ClinVar (database versions not stated): gnomAD exomes below 0.00001.
gnomAD v4.1: 1 of 1,614,122 alleles (0.000062%); highest among the groups gnomAD compares: African/African-American, 0.0013%; no homozygotes.

Submission:

PreventionGenetics, part of Exact Sciences
Classification: Likely benign for SYNE2-related condition. Last evaluated: 2019-07-02. Review status: no assertion criteria provided. Collection method: clinical testing. Allele origin: germline.
Comment: This variant is classified as likely benign based on ACMG/AMP sequence variant interpretation guidelines (Richards et al. 2015 PMID: 25741868, with internal and published modifications).